The following is an entry in ClinVar:

NM_005475.3(SH2B3):c.1257A>C (p.Thr419=)

Gene: SH2B3 (SH2B adaptor protein 3; plus strand). Cytogenetic location: 12q24.12.
Variant type: single nucleotide variant.
Coding change: c.1257A>C on transcript NM_005475.3 (MANE Select); coding-DNA position 1257, A replaced by C.
Protein change: p.Thr419=; no amino-acid change (threonine 419 retained).
Molecular consequence: synonymous variant.
Genome position (GRCh38, 1-based): chr12:111,447,676, A>C. VCF-style: chr12-111447676-A-C. GRCh37 (hg19) VCF-style: chr12-111885480-A-C.
Other names: p.Thr217=; c.651A>C, p.Thr217= (NM_001291424.1).
Identifiers: ClinVar variation 3440709 (VCV003440709.2).

ClinVar aggregate classification (germline): Likely benign. Review status: criteria provided, multiple submitters, no conflicts (2 of 4 stars). 2 submissions from 2 submitters: Likely benign (2). Last evaluated 2025-08-29.

Conditions:
Inborn genetic diseases. Identifiers: MedGen C0950123, MeSH D030342.

gnomAD v4.1: 264 of 1,612,690 alleles (0.016%); highest among the groups gnomAD compares: Middle Eastern, 0.2%; no homozygotes.

Submissions (2):

Mayo Clinic Laboratories, Mayo Clinic
Classification: Likely benign. Last evaluated: 2025-08-29. Review status: criteria provided, single submitter. Criteria: ACMG Guidelines, 2015. Collection method: clinical testing. Allele origin: germline. Observed: 1 variant allele.
Comment: BP4, BP7

Ambry Genetics
Classification: Likely benign for Inborn genetic diseases. Last evaluated: 2024-10-02. Review status: criteria provided, single submitter. Criteria: Ambry Variant Classification Scheme 2023. Collection method: clinical testing. Allele origin: germline.